The following is an entry in ClinVar:

ClinVar aggregate classification (germline): Conflicting classifications of pathogenicity. Review status: criteria provided, conflicting classifications (1 of 4 stars). 37 submissions from 30 submitters: Pathogenic (25); Likely pathogenic (1); Uncertain significance (1). 10 of the submissions do not count toward it. Last evaluated 2026-10-11.

Conditions:
Severe early-childhood-onset retinal dystrophy (STGD1). Also called: Stargardt macular dystrophy; Juvenile onset macular degeneration; Stargardt disease 1; MACULAR DYSTROPHY WITH FLECKS, TYPE 1; STGD. Identifiers: Orphanet 364055, Orphanet 827, MedGen C1855465, MeSH D000080362, MONDO:0009549, OMIM 248200.
Retinitis pigmentosa 19 (RP19). Also called: ABCA4-Related Retinitis Pigmentosa. Identifiers: Orphanet 791, MedGen C1866422, MONDO:0011137, OMIM 601718.
ABCA4-related disorder. Also called: ABCA4-related condition; ABCA4-related disorders. Identifiers: MedGen CN239167.
Macular dystrophy. Identifiers: MedGen C0730292, HP:0007754.
Retinal dystrophy. Also called: Inherited retinal dystrophy. Identifiers: Orphanet 71862, MedGen C0854723, MeSH D058499, MONDO:0019118, HP:0000556.
Cone-rod dystrophy 3 (CORD3). Identifiers: Orphanet 1872, MedGen C1858806, MONDO:0011395, OMIM 604116.
Age related macular degeneration 2. Also called: MACULOPATHY, AGE-RELATED; MACULAR DEGENERATION, SENILE; MACULOPATHY, AGE-RELATED, 2. Identifiers: MedGen C3495438, MONDO:0007932, OMIM 153800.
Retinitis pigmentosa (RP). Identifiers: Orphanet 791, MedGen C0035334, MeSH D012174, MONDO:0019200, OMIM 268000. Inheritance: Autosomal dominant, autosomal recessive and X linked inheritance.
Stargardt disease (FFM). Also called: Fundus flavimaculatus; Stargardt's disease. Identifiers: Orphanet 827, MedGen C0271093, MONDO:0019353.
Retinal disorder. Also called: Retinal disorders; Retinopathy; Retinopathies; Retinal Diseases. Identifiers: MedGen C0035309, MONDO:0005283, HP:0000488.

Allele frequency attached by ClinVar (database versions not stated): ExAC 0.00012; gnomAD exomes 0.00013 and 0.00015; TOPMed 0.00013; gnomAD 0.00017 and 0.00015.
gnomAD v4.1: 210 of 1,614,014 alleles (0.013%); highest among the groups gnomAD compares: Non-Finnish European, 0.014%; no homozygotes.

Submissions 1 to 9 of 37:

GeneDx
Classification: Pathogenic. Last evaluated: 2026-10-11. Review status: criteria provided, single submitter. Criteria: GeneDx Variant Classification Process June 2021. Collection method: clinical testing. Allele origin: germline.
Comment: Functional studies demonstrate that the p.(L541P)/p.(A1038V) complex allele as well as the p.(L541P) and p.(A1038V) variants independently result in reduced ATPase activity; however, the affect of p.(A1038V) is milder compared to that of p.(L541P) alone or the p.(L541P)/p.(A1038V) complex allele (PMID: 11017087, 16103129, 25712131); In silico analysis supports that this missense variant has a deleterious effect on protein structure/function; This variant is associated with the following publications: (PMID: 37510321, 37498587, 35120629, 35260635, 31964843, 36460718, 32307445, 36672815, 29701254, 33749171, 34321860, 34906470, 9781034, 28118664, 29847635, 39843441, 38003421, 37734845, 31429209, 32531858, 19217903, 19074458, 24713488, 24509150, 25712131, 10958761, 11328725, 26593885, 28041643, 16103129, 29555955, 29186038, 29068140, 30204727, 29925512, 30718709, 30653986, 32581362, 32646556, 41056947, 31573552, 33851411, 32619608, 32783370, 32037395, 32141364, 30643219, 33369172, 29114839, 28559085, 31456290, 35836572, 35119454, 34315337, 11017087, 11527935, 10958763, 23918662, 22312191, 38465142, 32445700, 38222458, 37286357, 38927702, 39202371, 37930186, 38927562, 39062705, 39563277, 39043154, 38219857, 38309476, 40465261, 40571344)

Genetics Laboratory, Great Ormond Street Hospital NHS Foundation Trust, North Thames Genomic Laboratory Hub
Classification: Pathogenic for Retinal disorders. Last evaluated: 2026-09-21. Review status: criteria provided, single submitter. Criteria: ACGS Best Practice Guidelines for Variant Classification in Rare Disease 2024 v1.2. Collection method: clinical testing. Allele origin: germline. Affected: yes.
Comment: PM2_moderate, PP3_supporting, PS3_strong, PM3_strong

PreventionGenetics, part of Exact Sciences
Classification: Pathogenic for ABCA4-related condition. Last evaluated: 2026-06-20. Review status: criteria provided, single submitter. Criteria: ACMG Guidelines, 2015. Collection method: clinical testing. Allele origin: germline.
Comment: The ABCA4 c.1622T>C variant is predicted to result in the amino acid substitution p.Leu541Pro. This variant has been reported many times in individuals with ABCA4-related retinal disease (see for examples: Rozet et al. 1998. PubMed ID: 9781034; Wiszniewski et al. 2005. PubMed ID: 16103129). This variant is frequently detected on the same chromosome (in cis) with another ABCA4 variant, c.3113C>T (p.Ala1038Val), as the complex allele p.[Leu541Pro;Ala1038Val] in patients with autosomal recessive retinal dystrophy (Burke et al. 2012. PubMed ID: 22312191; Cella et al. 2009. PubMed ID: 19217903; Wiszniewski et al. 2005. PubMed ID: 16103129; Klevering et al. 2004. PubMed ID: 15494742). The complex allele is reported to cause a more severe phenotype than either variant individually (Zhang et al. 2015. PubMed ID: 25712131). This variant is reported in 0.068% of alleles in individuals of European (Finnish) descent in gnomAD. Given all the evidence, we interpret c.1622T>C (p.Leu541Pro) both alone and as part of the complex allele p.[Leu541Pro;Ala1038Val] as pathogenic.

Labcorp Genetics (formerly Invitae), Labcorp
Classification: Pathogenic. Last evaluated: 2026-01-25. Review status: criteria provided, single submitter. Criteria: Invitae Variant Classification Sherloc (09022015). Collection method: clinical testing. Allele origin: germline.
Comment: This sequence change replaces leucine, which is neutral and non-polar, with proline, which is neutral and non-polar, at codon 541 of the ABCA4 protein (p.Leu541Pro). This variant is present in population databases (rs61751392, gnomAD 0.07%). This missense change has been observed in individuals with Stargardt disease, cone-rod dystrophy, or retinitis pigmentosa (PMID: 10206579, 11527935, 16103129, 19217903, 23755871, 24509150, 26593885, 28041643). ClinVar contains an entry for this variant (Variation ID: 99067). Invitae Evidence Modeling of protein sequence and biophysical properties (such as structural, functional, and spatial information, amino acid conservation, physicochemical variation, residue mobility, and thermodynamic stability) indicates that this missense variant is expected to disrupt ABCA4 protein function with a positive predictive value of 95%. Experimental studies have shown that this missense change affects ABCA4 function (PMID: 11017087, 25712131, 29847635). For these reasons, this variant has been classified as Pathogenic.

Women's Health and Genetics/Laboratory Corporation of America, LabCorp
Classification: Pathogenic for Stargardt disease. Last evaluated: 2025-12-23. Review status: criteria provided, single submitter. Criteria: LabCorp Variant Classification Summary - May 2015. Collection method: clinical testing. Allele origin: germline.
Comment: Variant summary: ABCA4 c.1622T>C (p.Leu541Pro) results in a non-conservative amino acid change in the encoded protein sequence. This variant is also frequently observed as a complex allele with c.3113C>T (p.Ala1038Val). Algorithms developed to predict the effect of missense changes on protein structure and function all suggest that this variant is likely to be disruptive. The variant allele was found at a frequency of 0.00015 in 251410 control chromosomes. This frequency is not significantly higher than estimated for disease-causing variants in ABCA4, allowing no conclusion about variant significance. c.1622T>C has been observed in multiple individuals affected with Stargardt Disease and related conditions (e.g. Rozet_1998, Garces_2018, Briggs_2011, Duncker_2015, Smaragda_2018). These data indicate that the variant is very likely to be associated with disease. At least one publication reports experimental evidence evaluating an impact on protein function (e.g. Garces_2018). The most pronounced variant effect results in <10% of normal activity. The following publications have been ascertained in the context of this evaluation (PMID: 9781034, 29847635, 11527935, 26551331, 29854428). ClinVar contains an entry for this variant (Variation ID: 99067). Based on the evidence outlined above, the variant was classified as pathogenic.

3billion
Classification: Pathogenic for ABCA4-related disorder. Last evaluated: 2025-10-07. Review status: criteria provided, single submitter. Criteria: ACMG Guidelines, 2015. Collection method: clinical testing. Allele origin: germline. Affected: yes.
Comment: The variant is observed at an extremely low frequency in the gnomAD v4.1.0 dataset (total allele frequency: 0.013%). Predicted Consequence/Location: Missense variant Functional studies provide strong evidence of the variant having a damaging effect on the gene or gene product (PMID: 11017087, 16103129, 25712131). In silico tool predictions suggest damaging effect of the variant on gene or gene product [REVEL: 0.98 (>=0.6, sensitivity 0.68 and specificity 0.92); 3Cnet: 0.90 (> 0.75, sensitivity 0.96 and precision 0.92)]. The same nucleotide change resulting in the same amino acid change has been previously reported as pathogenic/likely pathogenic with strong evidence (ClinVar ID: VCV000099067 /PMID: 9781034 /3billion dataset). Therefore, this variant is classified as Pathogenic according to the recommendation of ACMG/AMP guideline.

Laboratory of Genetics, Children's Clinical University Hospital Latvia
Classification: Pathogenic. Last evaluated: 2025-02-16. Review status: criteria provided, single submitter. Criteria: ACMG Guidelines, 2015. Collection method: clinical testing. Allele origin: germline. Affected: yes.

First Genomix Gene Laboratory, Genetic Diagnostics Department
Classification: Pathogenic for Severe early-childhood-onset retinal dystrophy; Retinitis pigmentosa 19. Last evaluated: 2025-01-06. Review status: criteria provided, single submitter. Criteria: ACMG Guidelines, 2015. Collection method: clinical testing. Allele origin: germline. Inheritance: Autosomal recessive inheritance. Affected: no. Observed: 1 variant allele.

Blueprint Genetics
Classification: Pathogenic for ABCA4-related disorders. Last evaluated: 2024-11-21. Review status: criteria provided, single submitter. Criteria: ACMG Guidelines, 2015. Collection method: clinical testing. Allele origin: germline. Affected: yes. Observed: 5 variant alleles.

NM_000350.3(ABCA4):c.1622T>C (p.Leu541Pro)

Gene: ABCA4 (ATP binding cassette subfamily A member 4; minus strand). Cytogenetic location: 1p22.1.
Variant type: single nucleotide variant.
Coding change: c.1622T>C on transcript NM_000350.3 (MANE Select); coding-DNA position 1622, T replaced by C.
Protein change: p.Leu541Pro; replaces leucine 541 with proline.
Molecular consequence: missense variant.
Genome position (GRCh38, 1-based): chr1:94,063,250, A>G on the plus strand (T>C on the coding strand, the complement: ABCA4 is on the minus strand). VCF-style: chr1-94063250-A-G. GRCh37 (hg19) VCF-style: chr1-94528806-A-G.
Other names: c.1622T>C, p.Leu541Pro (NM_001425324.1); short protein forms L541P.
Identifiers: ClinVar variation 99067 (VCV000099067.100), dbSNP rs61751392, ClinGen allele CA226911.